The following is an entry in ClinVar:

ClinVar aggregate classification (germline): Uncertain significance. Review status: criteria provided, multiple submitters, no conflicts (2 of 4 stars). 7 submissions from 7 submitters: Uncertain significance (6). 1 of the submissions does not count toward it. Last evaluated 2026-01-05.

Conditions:
Cystic fibrosis (CF). Also called: MUCOVISCIDOSIS. Identifiers: Orphanet 586, MedGen C0010674, MONDO:0009061, OMIM 219700. Disease mechanism: loss of function.

Allele frequency attached by ClinVar (database versions not stated): gnomAD exomes 0.00002; ExAC 0.00003; TOPMed 0.00003.
gnomAD v4.1: 34 of 1,613,946 alleles (0.0021%); highest among the groups gnomAD compares: South Asian, 0.015%; no homozygotes.

Submissions (7):

Women's Health and Genetics/Laboratory Corporation of America, LabCorp
Classification: Uncertain significance. Last evaluated: 2026-01-05. Review status: criteria provided, single submitter. Criteria: LabCorp Variant Classification Summary - May 2015. Collection method: clinical testing. Allele origin: germline.
Comment: Variant summary: CFTR c.2687C>T (p.Thr896Ile) results in a non-conservative amino acid change in the encoded protein sequence. Algorithms developed to predict the effect of missense changes on protein structure and function are either unavailable or do not agree on the potential impact of this missense change. The variant allele was found at a frequency of 2e-05 in 251262 control chromosomes. The available data on variant occurrences in the general population are insufficient to allow any conclusion about variant significance. c.2687C>T has been observed in at least one presumed biallelic individual affected with Cystic Fibrosis and in the heterozygous state in individuals with asthma or bronchiectasis (example: Lazaro_1999, Tzetis_2001, Hosseini_2023). These reports do not provide unequivocal conclusions about association of the variant with Cystic Fibrosis. To our knowledge, no experimental evidence demonstrating an impact on protein function has been reported. The following publications have been ascertained in the context of this evaluation (PMID: 11354633, 10571949, 37274793). ClinVar contains an entry for this variant (Variation ID: 555384). Based on the evidence outlined above, the variant was classified as uncertain significance.

Labcorp Genetics (formerly Invitae), Labcorp
Classification: Uncertain significance for Cystic fibrosis. Last evaluated: 2025-11-17. Review status: criteria provided, single submitter. Criteria: Invitae Variant Classification Sherloc (09022015). Collection method: clinical testing. Allele origin: germline.
Comment: This sequence change replaces threonine, which is neutral and polar, with isoleucine, which is neutral and non-polar, at codon 896 of the CFTR protein (p.Thr896Ile). This variant is present in population databases (rs752617117, gnomAD 0.006%). This missense change has been observed in individual(s) with asthma or bronchiectasis (PMID: 10571949, 11354633, 22664493). ClinVar contains an entry for this variant (Variation ID: 555384). Invitae Evidence Modeling of protein sequence and biophysical properties (such as structural, functional, and spatial information, amino acid conservation, physicochemical variation, residue mobility, and thermodynamic stability) indicates that this missense variant is not expected to disrupt CFTR protein function with a negative predictive value of 80%. In summary, the available evidence is currently insufficient to determine the role of this variant in disease. Therefore, it has been classified as a Variant of Uncertain Significance.

Ambry Genetics
Classification: Uncertain significance for Cystic fibrosis. Last evaluated: 2025-06-13. Review status: criteria provided, single submitter. Criteria: Ambry Variant Classification Scheme 2023. Collection method: clinical testing. Allele origin: germline.
Comment: The p.T896I variant (also known as c.2687C>T), located in coding exon 17 of the CFTR gene, results from a C to T substitution at nucleotide position 2687. The threonine at codon 896 is replaced by isoleucine, an amino acid with similar properties. This variant was identified in an individual with asthma and an individual with disseminated bronchiectasis; a second CFTR alteration was not identified in either individual (L&aacute;zaro C et al. Hum. Mutat., 1999;14:510-9; Tzetis M et al. Hum. Genet., 2001 Mar;108:216-21). This amino acid position is not well conserved in available vertebrate species. In addition, the in silico prediction for this alteration is inconclusive. Based on available evidence to date, the clinical significance of this alteration remains unclear.

CeGaT Center for Human Genetics Tuebingen
Classification: Uncertain significance. Last evaluated: 2024-12-01. Review status: criteria provided, single submitter. Criteria: CeGaT Center For Human Genetics Tuebingen Variant Classification Criteria Version 2. Collection method: clinical testing. Allele origin: germline. Affected: yes. Observed: 1 variant allele.
Comment: CFTR: PM2

Genome-Nilou Lab
Classification: Uncertain significance for Cystic fibrosis. Last evaluated: 2021-09-05. Review status: criteria provided, single submitter. Criteria: ACMG Guidelines, 2015. Collection method: clinical testing. Allele origin: germline. Affected: no.

Mendelics
Classification: Uncertain significance for Cystic fibrosis. Last evaluated: 2019-05-28. Review status: criteria provided, single submitter. Criteria: Mendelics Assertion Criteria 2017. Collection method: clinical testing. Allele origin: unknown.

Counsyl
Classification: Uncertain significance for Cystic fibrosis. Last evaluated: 2017-12-04. Review status: no assertion criteria provided. Collection method: clinical testing. Allele origin: unknown. Not counted in ClinVar's aggregate classification.

Literature cited by the submitters: PubMed 11354633 (cited by 3 submitters); PubMed 10571949 (cited by 3 submitters); PubMed 37274793 (cited by Women's Health and Genetics/Laboratory Corporation of America, LabCorp); PubMed 22664493 (cited by Labcorp Genetics (formerly Invitae), Labcorp).

NM_000492.4(CFTR):c.2687C>T (p.Thr896Ile)

Gene: CFTR (CF transmembrane conductance regulator; plus strand). Cytogenetic location: 7q31.2.
Variant type: single nucleotide variant.
Coding change: c.2687C>T on transcript NM_000492.4 (MANE Select); coding-DNA position 2687, C replaced by T.
Protein change: p.Thr896Ile; replaces threonine 896 with isoleucine.
Molecular consequence: missense variant.
Genome position (GRCh38, 1-based): chr7:117,603,561, C>T. VCF-style: chr7-117603561-C-T. GRCh37 (hg19) VCF-style: chr7-117243615-C-T.
Other names: short protein forms T896I.
Identifiers: ClinVar variation 555384 (VCV000555384.27), dbSNP rs752617117, ClinGen allele CA4451274.